The following is an entry in ClinVar:

NM_024642.5(GALNT12):c.918-10A>C

Gene: GALNT12 (polypeptide N-acetylgalactosaminyltransferase 12; plus strand). Cytogenetic location: 9q22.33.
Variant type: single nucleotide variant.
Coding change: c.918-10A>C on transcript NM_024642.5 (MANE Select); 10 bases into the intron before coding-DNA position 918, A replaced by C.
Molecular consequence: intron variant.
Genome position (GRCh38, 1-based): chr9:98,835,239, A>C. VCF-style: chr9-98835239-A-C. GRCh37 (hg19) VCF-style: chr9-101597521-A-C.
Identifiers: ClinVar variation 4875804 (VCV004875804.1).

ClinVar aggregate classification (germline): Likely benign (1 of 4 stars; one submission).

Conditions:
Colorectal cancer, susceptibility to, 1. Also called: COLORECTAL ADENOMA AND CANCER, SUSCEPTIBILITY TO; COLORECTAL CANCER, SUSCEPTIBILITY TO, ON CHROMOSOME 9. Identifiers: MedGen C1837315, MONDO:0012132, OMIM 608812.

Submission:

Myriad Genetics, Inc.
Classification: Likely benign for Colorectal cancer, susceptibility to, 1. Last evaluated: 2026-04-21. Review status: criteria provided, single submitter. Criteria: Myriad Autosomal Dominant, Autosomal Recessive and X-Linked Classification Criteria (2023). Collection method: clinical testing. Allele origin: unknown.
Comment: This variant is considered likely benign. This variant is intronic and is not expected to impact mRNA splicing.